The following is an entry in ClinVar:

NC_000011.9:g.(?_103090624)_(103092902_?)del

Gene: DYNC2H1 (dynein cytoplasmic 2 heavy chain 1; plus strand). Cytogenetic location: 11q22.3.
Variant type: Deletion.
Identifiers: ClinVar variation 3244566 (VCV003244566.1).

ClinVar aggregate classification (germline): Pathogenic (1 of 4 stars; one submission).

Conditions:
Jeune thoracic dystrophy. Also called: Jeune's syndrome; Chondroectodermal dysplasia-like syndrome; Short-rib thoracic dysplasia; Jeune syndrome; Infantile thoracic dystrophy; Thoracic pelvic phalangeal dystrophy. Identifiers: Orphanet 474, MedGen C0265275, MONDO:0018770.

Submission:

Labcorp Genetics (formerly Invitae), Labcorp
Classification: Pathogenic for Jeune thoracic dystrophy. Last evaluated: 2023-11-28. Review status: criteria provided, single submitter. Criteria: Invitae Variant Classification Sherloc (09022015). Collection method: clinical testing. Allele origin: unknown.
Comment: This variant is a gross deletion of the genomic region encompassing exon(s) 56-58 of the DYNC2H1 gene. This variant would be expected to be in-frame, preserving the integrity of the reading frame. This variant has not been reported in the literature in individuals affected with DYNC2H1-related conditions. This variant disrupts a region of the DYNC2H1 protein in which other variant(s) (p.Arg3004Cys) have been determined to be pathogenic (PMID: 25410398, 35627109). This suggests that this is a clinically significant region of the protein, and that variants that disrupt it are likely to be disease-causing. For these reasons, this variant has been classified as Pathogenic.

Literature cited by the submitters: PubMed 25410398; PubMed 35627109.